The following is an entry in ClinVar:

NM_001037333.3(CYFIP2):c.2426G>A (p.Arg809Gln)

Gene: CYFIP2 (cytoplasmic FMR1 interacting protein 2; plus strand). Cytogenetic location: 5q33.3.
Variant type: single nucleotide variant.
Coding change: c.2426G>A on transcript NM_001037333.3 (MANE Select); coding-DNA position 2426, G replaced by A.
Protein change: p.Arg809Gln; replaces arginine 809 with glutamine.
Molecular consequence: missense variant.
Genome position (GRCh38, 1-based): chr5:157,339,097, G>A. VCF-style: chr5-157339097-G-A. GRCh37 (hg19) VCF-style: chr5-156766105-G-A.
Other names: c.2426G>A (NM_001037333.1); c.2348G>A, p.Arg783Gln (NM_001291721.2); c.2501G>A, p.Arg834Gln (NM_001291722.2); c.2426G>A, p.Arg809Gln (NM_014376.4); short protein forms R783Q, R809Q, R834Q.
Identifiers: ClinVar variation 1931354 (VCV001931354.6), dbSNP rs770858656, ClinGen allele CA3533863.
Genomic context (GRCh38, chr5:157,339,097, plus strand): 5'-TGGGCTCTCTCTCTGTACAGGAGCTGGAGTGGCTGCTGGAGATTAACCGGCTCACGCATC[G>A]GCTGCTCTGTAAGCATATGACGCTGGACAGCTTCGATGCCATGTTCCGAGAGGCCAATCA-3'
Protein context (NP_001032410.1, residues 799-819): WLLEINRLTH[Arg809Gln]LLCKHMTLDS

ClinVar aggregate classification (germline): Uncertain significance. Review status: criteria provided, multiple submitters, no conflicts (2 of 4 stars). 2 submissions from 2 submitters: Uncertain significance (2). Last evaluated 2025-08-31.

Conditions:
Inborn genetic diseases. Identifiers: MedGen C0950123, MeSH D030342.

Allele frequency attached by ClinVar (database versions not stated): gnomAD 0.00001; TOPMed 0.00001; ExAC 0.00002.
gnomAD v4.1: 21 of 1,613,364 alleles (0.0013%); highest among the groups gnomAD compares: East Asian, 0.0045%; no homozygotes.

Submissions (2):

Ambry Genetics
Classification: Uncertain significance for Inborn genetic diseases. Last evaluated: 2025-08-31. Review status: criteria provided, single submitter. Criteria: Ambry Variant Classification Scheme 2023. Collection method: clinical testing. Allele origin: germline.

Labcorp Genetics (formerly Invitae), Labcorp
Classification: Uncertain significance. Last evaluated: 2023-12-18. Review status: criteria provided, single submitter. Criteria: Invitae Variant Classification Sherloc (09022015). Collection method: clinical testing. Allele origin: germline.
Comment: This sequence change replaces arginine, which is basic and polar, with glutamine, which is neutral and polar, at codon 809 of the CYFIP2 protein (p.Arg809Gln). This variant is present in population databases (rs770858656, gnomAD 0.006%). This variant has not been reported in the literature in individuals affected with CYFIP2-related conditions. ClinVar contains an entry for this variant (Variation ID: 1931354). Experimental studies and prediction algorithms are not available or were not evaluated, and the functional significance of this variant is currently unknown. In summary, the available evidence is currently insufficient to determine the role of this variant in disease. Therefore, it has been classified as a Variant of Uncertain Significance.